The following is an entry in ClinVar:

NM_000551.4(VHL):c.340+689del

Genes: VHL (von Hippel-Lindau tumor suppressor; plus strand), LOC107303340 (3p25 von Hippel-Lindau tumor suppressor, E3 ubiquitin protein ligase Alu-mediated recombination region; plus strand). Cytogenetic location: 3p25.3.
Variant type: Deletion.
Coding change: c.340+689del on transcript NM_000551.4 (MANE Select); 689 bases into the intron after coding-DNA position 340, one base deleted (G; older notation c.340+689delG).
Molecular consequence: intron variant. On other transcripts: frameshift variant (1), non-coding transcript variant (1).
Genome position (GRCh38, 1-based): chr3:10,142,876, G deleted. VCF-style (leftmost placement, unchanged base first): chr3-10142875-CG-C. GRCh37 (hg19) VCF-style: chr3-10184559-CG-C.
Other names: c.454del, p.Ala152fs (NM_001354723.2); c.340+689del (NM_198156.3); short protein forms A152fs.
Identifiers: ClinVar variation 2921519 (VCV002921519.3), dbSNP rs2470160055, ClinGen allele CA2740090918.

ClinVar aggregate classification (germline): Uncertain significance (1 of 4 stars; one submission).

Conditions:
Von Hippel-Lindau syndrome (VHLS). Also called: Von Hippel-Lindau; von Hippel–Lindau syndrome; VHL syndrome. Identifiers: Orphanet 892, MedGen C0019562, MONDO:0008667, OMIM 193300. Disease mechanism: loss of function.
Chuvash polycythemia. Also called: POLYCYTHEMIA, VHL-DEPENDENT. Identifiers: Orphanet 238557, MedGen C1837915, MONDO:0009892, OMIM 263400.

Submission:

Labcorp Genetics (formerly Invitae), Labcorp
Classification: Uncertain significance for Von Hippel-Lindau syndrome; Chuvash polycythemia. Last evaluated: 2023-12-18. Review status: criteria provided, single submitter. Criteria: Invitae Variant Classification Sherloc (09022015). Collection method: clinical testing. Allele origin: germline.
Comment: This sequence change falls in intron 1 of the VHL gene. It is not expected to change the encoded amino acid sequence of the VHL protein. However, this sequence change falls within a cryptic exon in the VHL gene, known as exon E1’, which is naturally expressed at low levels in several human tissues (PMID: 29891534). This variant is not present in population databases (gnomAD no frequency). This variant has not been reported in the literature in individuals affected with VHL-related conditions. Algorithms developed to predict the effect of sequence changes on RNA splicing suggest that this variant is not likely to affect RNA splicing. In summary, the available evidence is currently insufficient to determine the role of this variant in disease. Therefore, it has been classified as a Variant of Uncertain Significance.

Literature cited by the submitters: PubMed 29891534.